The following is an entry in ClinVar:

ClinVar aggregate classification (germline): Pathogenic (1 of 4 stars; one submission).

Submission:

Labcorp Genetics (formerly Invitae), Labcorp
Classification: Pathogenic. Last evaluated: 2023-03-16. Review status: criteria provided, single submitter. Criteria: Invitae Variant Classification Sherloc (09022015). Collection method: clinical testing. Allele origin: germline.
Comment: This variant disrupts a region of the POU1F1 protein in which other variant(s) (p.Glu250Asnfs*2) have been determined to be pathogenic (PMID: 11297581). This suggests that this is a clinically significant region of the protein, and that variants that disrupt it are likely to be disease-causing. For these reasons, this variant has been classified as Pathogenic. This variant has not been reported in the literature in individuals affected with POU1F1-related conditions. This variant is not present in population databases (gnomAD no frequency). This sequence change creates a premature translational stop signal (p.Arg215Thrfs*10) in the POU1F1 gene. While this is not anticipated to result in nonsense mediated decay, it is expected to disrupt the last 77 amino acid(s) of the POU1F1 protein.

Literature cited by the submitters: PubMed 11297581.

NM_000306.4(POU1F1):c.644_648del (p.Arg215fs)

Gene: POU1F1 (POU class 1 homeobox 1; minus strand). Cytogenetic location: 3p11.2.
Variant type: Microsatellite.
Coding change: c.644_648del on transcript NM_000306.4 (MANE Select); coding-DNA positions 644 to 648, 5 bases deleted (GAAAA; older notation c.644_648delGAAAA).
Protein change: p.Arg215fs; shifts the reading frame from arginine 215.
Molecular consequence: frameshift variant.
Genome position (GRCh38, 1-based): chr3:87,261,290-87,261,294, TTTTC deleted on the plus strand (GAAAA on the coding strand, the reverse complement: POU1F1 is on the minus strand); deleting any 5 consecutive bases within chr3:87,261,290-87,261,299 gives the same sequence; the c. name uses the placement nearest the transcript's 3' end. VCF-style (leftmost placement, unchanged base first): chr3-87261289-GTTTTC-G. GRCh37 (hg19) VCF-style: chr3-87310439-GTTTTC-G.
Other names: c.722_726del, p.Arg241fs (NM_001122757.3); short protein forms R215fs, R241fs.
Identifiers: ClinVar variation 2846205 (VCV002846205.3), dbSNP rs2471786478, ClinGen allele CA2739280067.